The following is an entry in ClinVar:

ClinVar aggregate classification (germline): Conflicting classifications of pathogenicity. Review status: criteria provided, conflicting classifications (1 of 4 stars). 2 submissions from 2 submitters: Uncertain significance (1); Likely benign (1). Last evaluated 2026-05-15.

Conditions:
Hereditary cancer-predisposing syndrome. Also called: Neoplastic Syndromes, Hereditary; Tumor predisposition; Hereditary Cancer Syndrome; Hereditary neoplastic syndrome. Identifiers: Orphanet 140162, MedGen C0027672, MeSH D009386, MONDO:0015356.
Hereditary diffuse gastric adenocarcinoma (HDGC). Also called: DIFFUSE GASTRIC AND LOBULAR BREAST CANCER SYNDROME. Identifiers: Orphanet 26106, MedGen C1708349, MONDO:0007648, OMIM 137215.

Submissions (2):

Ambry Genetics
Classification: Likely benign for Hereditary cancer-predisposing syndrome. Last evaluated: 2026-05-15. Review status: criteria provided, single submitter. Criteria: Ambry Variant Classification Scheme 2023. Collection method: clinical testing. Allele origin: germline.

Labcorp Genetics (formerly Invitae), Labcorp
Classification: Uncertain significance for Hereditary diffuse gastric adenocarcinoma. Last evaluated: 2024-01-05. Review status: criteria provided, single submitter. Criteria: Invitae Variant Classification Sherloc (09022015). Collection method: clinical testing. Allele origin: germline.
Comment: This sequence change replaces valine, which is neutral and non-polar, with alanine, which is neutral and non-polar, at codon 574 of the CDH1 protein (p.Val574Ala). This variant is not present in population databases (gnomAD no frequency). This variant has not been reported in the literature in individuals affected with CDH1-related conditions. ClinVar contains an entry for this variant (Variation ID: 1778781). Algorithms developed to predict the effect of missense changes on protein structure and function output the following: SIFT: "Not Available"; PolyPhen-2: "Benign"; Align-GVGD: "Not Available". The alanine amino acid residue is found in multiple mammalian species, which suggests that this missense change does not adversely affect protein function. In summary, the available evidence is currently insufficient to determine the role of this variant in disease. Therefore, it has been classified as a Variant of Uncertain Significance.

NM_004360.5(CDH1):c.1721T>C (p.Val574Ala)

Gene: CDH1 (cadherin 1; plus strand). Cytogenetic location: 16q22.1.
Variant type: single nucleotide variant.
Coding change: c.1721T>C on transcript NM_004360.5 (MANE Select); coding-DNA position 1721, T replaced by C.
Protein change: p.Val574Ala; replaces valine 574 with alanine.
Molecular consequence: missense variant. On other transcripts: 5 prime UTR variant (1).
Genome position (GRCh38, 1-based): chr16:68,822,010, T>C. VCF-style: chr16-68822010-T-C. GRCh37 (hg19) VCF-style: chr16-68855913-T-C.
Other names: c.1538T>C, p.Val513Ala (NM_001317184.2); c.173T>C, p.Val58Ala (NM_001317185.2); c.-245T>C (NM_001317186.2); short protein forms V513A, V58A, V574A.
Identifiers: ClinVar variation 1778781 (VCV001778781.6), dbSNP rs1567512117, ClinGen allele CA396466220.